The following is an entry in ClinVar:

ClinVar aggregate classification (germline): Uncertain significance. Review status: criteria provided, multiple submitters, no conflicts (2 of 4 stars). 2 submissions from 2 submitters: Uncertain significance (2). Last evaluated 2022-09-14.

Conditions:
Hereditary cancer-predisposing syndrome. Also called: Tumor predisposition; Neoplastic Syndromes, Hereditary; Hereditary Cancer Syndrome; Hereditary neoplastic syndrome. Identifiers: Orphanet 140162, MedGen C0027672, MeSH D009386, MONDO:0015356.
Ataxia-telangiectasia syndrome (AT). Also called: Ataxia-telangiectasia; LOUIS-BAR SYNDROME; Ataxia-telangiectasia, complementation group D; AT, COMPLEMENTATION GROUP C; ATAXIA-TELANGIECTASIA, COMPLEMENTATION GROUP A; ATAXIA-TELANGIECTASIA, FRESNO VARIANT. Identifiers: Orphanet 100, MedGen C0004135, MONDO:0008840, OMIM 208900.

Submissions (2):

Ambry Genetics
Classification: Uncertain significance for Hereditary cancer-predisposing syndrome. Last evaluated: 2022-09-14. Review status: criteria provided, single submitter. Criteria: Ambry Variant Classification Scheme 2023. Collection method: clinical testing. Allele origin: germline.
Comment: The p.M2520L variant (also known as c.7558A>T), located in coding exon 50 of the ATM gene, results from an A to T substitution at nucleotide position 7558. The methionine at codon 2520 is replaced by leucine, an amino acid with highly similar properties. This amino acid position is highly conserved in available vertebrate species. In addition, the in silico prediction for this alteration is inconclusive. Since supporting evidence is limited at this time, the clinical significance of this alteration remains unclear.

Labcorp Genetics (formerly Invitae), Labcorp
Classification: Uncertain significance for Ataxia-telangiectasia syndrome. Last evaluated: 2021-03-19. Review status: criteria provided, single submitter. Criteria: Invitae Variant Classification Sherloc (09022015). Collection method: clinical testing. Allele origin: germline.
Comment: In summary, the available evidence is currently insufficient to determine the role of this variant in disease. Therefore, it has been classified as a Variant of Uncertain Significance. This sequence change replaces methionine with leucine at codon 2520 of the ATM protein (p.Met2520Leu). The methionine residue is highly conserved and there is a small physicochemical difference between methionine and leucine. This variant is not present in population databases (ExAC no frequency). This variant has not been reported in the literature in individuals with ATM-related conditions. Advanced modeling of protein sequence and biophysical properties (such as structural, functional, and spatial information, amino acid conservation, physicochemical variation, residue mobility, and thermodynamic stability) performed at Invitae indicates that this missense variant is not expected to disrupt ATM protein function.

NM_000051.4(ATM):c.7558A>T (p.Met2520Leu)

Genes: ATM (ATM serine/threonine kinase; plus strand), C11orf65 (chromosome 11 open reading frame 65; minus strand). Cytogenetic location: 11q22.3.
Variant type: single nucleotide variant.
Coding change: c.7558A>T on transcript NM_000051.4 (MANE Select); coding-DNA position 7558, A replaced by T.
Protein change: p.Met2520Leu; replaces methionine 2520 with leucine.
Molecular consequence: missense variant. On other transcripts: non-coding transcript variant (1), intron variant (2).
Genome position (GRCh38, 1-based): chr11:108,331,486, A>T. VCF-style: chr11-108331486-A-T. GRCh37 (hg19) VCF-style: chr11-108202213-A-T.
Other names: c.7558A>T, p.Met2520Leu (NM_001351834.2); c.641-22415T>A (NM_001330368.2); c.*38+3734T>A (NM_001351110.2); short protein forms M2520L.
Identifiers: ClinVar variation 1359316 (VCV001359316.10), dbSNP rs1591167508, ClinGen allele CA382560723.